The following is an entry in ClinVar:

ClinVar aggregate classification (germline): Likely benign (0 of 4 stars; one submission).

Conditions:
NIPBL-related disorder. Also called: NIPBL-related condition.

Allele frequency attached by ClinVar (database versions not stated): gnomAD exomes below 0.00001; gnomAD 0.00001.
gnomAD v4.1: 2 of 1,611,092 alleles (0.00012%); highest among the groups gnomAD compares: East Asian, 0.0022%; no homozygotes.

Submission:

PreventionGenetics, part of Exact Sciences
Classification: Likely benign for NIPBL-related condition. Last evaluated: 2022-08-25. Review status: no assertion criteria provided. Collection method: clinical testing. Allele origin: germline.
Comment: This variant is classified as likely benign based on ACMG/AMP sequence variant interpretation guidelines (Richards et al. 2015 PMID: 25741868, with internal and published modifications).

NM_133433.4(NIPBL):c.7686-8C>A

Gene: NIPBL (NIPBL cohesin loading factor; plus strand). Cytogenetic location: 5p13.2.
Variant type: single nucleotide variant.
Coding change: c.7686-8C>A on transcript NM_133433.4 (MANE Select); 8 bases into the intron before coding-DNA position 7686, C replaced by A.
Molecular consequence: intron variant.
Genome position (GRCh38, 1-based): chr5:37,060,836, C>A. VCF-style: chr5-37060836-C-A. GRCh37 (hg19) VCF-style: chr5-37060938-C-A.
Other names: c.7686-8C>A (NM_015384.5).
Identifiers: ClinVar variation 3051498 (VCV003051498.2), dbSNP rs531659296, ClinGen allele CA117056836.